The following is an entry in ClinVar:

NM_000548.5(TSC2):c.3815-8C>G

Gene: TSC2 (TSC complex subunit 2; plus strand). Cytogenetic location: 16p13.3.
Variant type: single nucleotide variant.
Coding change: c.3815-8C>G on transcript NM_000548.5 (MANE Select); 8 bases into the intron before coding-DNA position 3815, C replaced by G.
Molecular consequence: intron variant.
Genome position (GRCh38, 1-based): chr16:2,082,428, C>G. VCF-style: chr16-2082428-C-G. GRCh37 (hg19) VCF-style: chr16-2132429-C-G.
Other names: c.3814+630C>G (NM_001114382.3); c.3686-8C>G (NM_021055.3, NM_001370405.1); c.3685+630C>G (NM_001363528.2); c.3683-8C>G (NM_001370404.1); c.3682+630C>G (NM_001077183.3); c.3574+630C>G (NM_001318827.2); c.3083-8C>G (NM_001318831.2); c.3538+630C>G (NM_001318829.2); and 1 more.
Identifiers: ClinVar variation 652339 (VCV000652339.9), dbSNP rs1596404187, ClinGen allele CA915946299.
Genomic context (GRCh38, chr16:2,082,428, plus strand): 5'-GCTCTCTGCTCGACCTGTGTGTAGCCCCTCCTCCTGCTGACGTGGCCGCACACGGCCTTC[C>G]CTTGCAGTGGCCTCTTTCTCCTCCCTGTACCAGTCCAGCTGCCAAGGACAGCTGCACAGG-3'

ClinVar aggregate classification (germline): Conflicting classifications of pathogenicity. Review status: criteria provided, conflicting classifications (1 of 4 stars). 2 submissions from 2 submitters: Uncertain significance (1); Likely benign (1). Last evaluated 2025-01-06.

Conditions:
Tuberous sclerosis 2 (TSC2). Identifiers: Orphanet 805, MedGen C1860707, MONDO:0013199, OMIM 613254.

Submissions (2):

Labcorp Genetics (formerly Invitae), Labcorp
Classification: Likely benign for Tuberous sclerosis 2. Last evaluated: 2025-01-06. Review status: criteria provided, single submitter. Criteria: Invitae Variant Classification Sherloc (09022015). Collection method: clinical testing. Allele origin: germline.

GeneDx
Classification: Uncertain significance. Last evaluated: 2022-06-01. Review status: criteria provided, single submitter. Criteria: GeneDx Variant Classification Process June 2021. Collection method: clinical testing. Allele origin: germline. Affected: yes.
Comment: Not observed at significant frequency in large population cohorts (gnomAD); In-silico analysis is inconclusive as to whether the variant alters gene splicing. In the absence of RNA/functional studies, the actual effect of this sequence change is unknown.; Has not been previously published as pathogenic or benign to our knowledge